The following is an entry in ClinVar:

ClinVar aggregate classification (germline): Uncertain significance (1 of 4 stars; one submission).

Conditions:
Inborn genetic diseases. Identifiers: MedGen C0950123, MeSH D030342.

Submission:

Ambry Genetics
Classification: Uncertain significance for Inborn genetic diseases. Last evaluated: 2022-04-03. Review status: criteria provided, single submitter. Criteria: Ambry Variant Classification Scheme 2023. Collection method: clinical testing. Allele origin: germline.
Comment: The p.A58G variant (also known as c.173C>G), located in coding exon 2 of the AKT1 gene, results from a C to G substitution at nucleotide position 173. The alanine at codon 58 is replaced by glycine, an amino acid with similar properties. This amino acid position is conserved. In addition, this alteration is predicted to be tolerated by in silico analysis. Since supporting evidence is limited at this time, the clinical significance of this alteration remains unclear.

NM_001382430.1(AKT1):c.173C>G (p.Ala58Gly)

Gene: AKT1 (AKT serine/threonine kinase 1; minus strand). Cytogenetic location: 14q32.33.
Variant type: single nucleotide variant.
Coding change: c.173C>G on transcript NM_001382430.1 (MANE Select); coding-DNA position 173, C replaced by G.
Protein change: p.Ala58Gly; replaces alanine 58 with glycine.
Molecular consequence: missense variant.
Genome position (GRCh38, 1-based): chr14:104,780,090, G>C on the plus strand (C>G on the coding strand, the complement: AKT1 is on the minus strand). VCF-style: chr14-104780090-G-C. GRCh37 (hg19) VCF-style: chr14-105246427-G-C.
Other names: c.173C>G, p.Ala58Gly (NM_001014431.2, NM_001014432.2, NM_001382431.1 and 3 more transcripts); short protein forms A58G.
Identifiers: ClinVar variation 1779162 (VCV001779162.2), dbSNP rs1892948595, ClinGen allele CA391221372.
Genomic context (GRCh38, chr14:104,780,090, plus strand): 5'-AAGAGGGCTCCAGCCAACCCCCCAAATCTGAATCCCGAGAGGCCAAGGGGATACTTACGC[G>C]CCACAGAGAAGTTGTTGAGGGGAGCCTCACGTTGGTCCACATCCTGCGGCCGCTCCTTGT-3'
Protein context (NP_001369359.1, residues 48-68): REAPLNNFSV[Ala58Gly]QCQLMKTERP